The following is an entry in ClinVar:

ClinVar aggregate classification (germline): Uncertain significance (1 of 4 stars; one submission).

Conditions:
Dilated cardiomyopathy 1O (CMD1O). Also called: CARDIOMYOPATHY, DILATED, WITH VENTRICULAR TACHYCARDIA. Identifiers: Orphanet 154, MedGen C1837839, MONDO:0012062, OMIM 608569.

Submission:

Labcorp Genetics (formerly Invitae), Labcorp
Classification: Uncertain significance for Dilated cardiomyopathy 1O. Last evaluated: 2024-08-19. Review status: criteria provided, single submitter. Criteria: Invitae Variant Classification Sherloc (09022015). Collection method: clinical testing. Allele origin: germline.
Comment: This sequence change replaces methionine, which is neutral and non-polar, with lysine, which is basic and polar, at codon 181 of the ABCC9 protein (p.Met181Lys). This variant is not present in population databases (gnomAD no frequency). This variant has not been reported in the literature in individuals affected with ABCC9-related conditions. Invitae Evidence Modeling of protein sequence and biophysical properties (such as structural, functional, and spatial information, amino acid conservation, physicochemical variation, residue mobility, and thermodynamic stability) has been performed for this missense variant. However, the output from this modeling did not meet the statistical confidence thresholds required to predict the impact of this variant on ABCC9 protein function. In summary, the available evidence is currently insufficient to determine the role of this variant in disease. Therefore, it has been classified as a Variant of Uncertain Significance.

NM_020297.4(ABCC9):c.542T>A (p.Met181Lys)

Gene: ABCC9 (ATP binding cassette subfamily C member 9; minus strand). Cytogenetic location: 12p12.1.
Variant type: single nucleotide variant.
Coding change: c.542T>A on transcript NM_020297.4 (MANE Select); coding-DNA position 542, T replaced by A.
Protein change: p.Met181Lys; replaces methionine 181 with lysine.
Molecular consequence: missense variant. On other transcripts: intron variant (1).
Genome position (GRCh38, 1-based): chr12:21,916,968, A>T on the plus strand (T>A on the coding strand, the complement: ABCC9 is on the minus strand). VCF-style: chr12-21916968-A-T. GRCh37 (hg19) VCF-style: chr12-22069902-A-T.
Other names: c.542T>A, p.Met181Lys (NM_001377273.1, NM_005691.4); c.-48-3902T>A (NM_001377274.1); short protein forms M181K.
Identifiers: ClinVar variation 3662842 (VCV003662842.2).
Genomic context (GRCh38, chr12:21,916,968, plus strand): 5'-TAACTAAACAAAAGCCATTAGCTACCTACCCTGACTCGAATGACATTGATCTCCACAGCC[A>T]TCAAGAGCCCATTCAAGATGACCATCATGCCTGTGATGCAGAAACGCAGGTTTGATATGT-3'
Protein context (NP_064693.2, residues 171-191): GMMVILNGLL[Met181Lys]AVEINVIRVR